The following is an entry in ClinVar:

NM_001012720.2(RGR):c.446G>A (p.Gly149Asp)

Gene: RGR (retinal G protein coupled receptor; plus strand). Cytogenetic location: 10q23.1.
Variant type: single nucleotide variant.
Coding change: c.446G>A on transcript NM_001012720.2 (MANE Select); coding-DNA position 446, G replaced by A.
Protein change: p.Gly149Asp; replaces glycine 149 with aspartic acid.
Molecular consequence: missense variant.
Genome position (GRCh38, 1-based): chr10:84,252,944, G>A. VCF-style: chr10-84252944-G-A. GRCh37 (hg19) VCF-style: chr10-86012700-G-A.
Other names: c.446G>A, p.Gly149Asp (NM_001012722.2); c.458G>A, p.Gly153Asp (NM_002921.4); short protein forms G153D, G149D.
Identifiers: ClinVar variation 1381972 (VCV001381972.7), dbSNP rs760855158, ClinGen allele CA5581443.

ClinVar aggregate classification (germline): Uncertain significance. Review status: criteria provided, multiple submitters, no conflicts (2 of 4 stars). 2 submissions from 2 submitters: Uncertain significance (2). Last evaluated 2024-02-17.

Allele frequency attached by ClinVar (database versions not stated): gnomAD 0.00001; TOPMed 0.00002; ExAC 0.00003; gnomAD exomes 0.00004.

Submissions (2):

Labcorp Genetics (formerly Invitae), Labcorp
Classification: Uncertain significance. Last evaluated: 2024-02-17. Review status: criteria provided, single submitter. Criteria: Invitae Variant Classification Sherloc (09022015). Collection method: clinical testing. Allele origin: germline.
Comment: This sequence change replaces glycine, which is neutral and non-polar, with aspartic acid, which is acidic and polar, at codon 149 of the RGR protein (p.Gly149Asp). This variant is present in population databases (rs760855158, gnomAD 0.03%). This variant has not been reported in the literature in individuals affected with RGR-related conditions. ClinVar contains an entry for this variant (Variation ID: 1381972). Experimental studies and prediction algorithms are not available or were not evaluated, and the functional significance of this variant is currently unknown. In summary, the available evidence is currently insufficient to determine the role of this variant in disease. Therefore, it has been classified as a Variant of Uncertain Significance.

Blueprint Genetics
Classification: Uncertain significance. Last evaluated: 2023-06-19. Review status: criteria provided, single submitter. Criteria: ACMG Guidelines, 2015. Collection method: clinical testing. Allele origin: germline.